The following is an entry in ClinVar:

NM_001385079.1(PDE10A):c.127A>G (p.Ser43Gly)

Gene: PDE10A (phosphodiesterase 10A; minus strand). Cytogenetic location: 6q27.
Variant type: single nucleotide variant.
Coding change: c.127A>G on transcript NM_001385079.1 (MANE Select); coding-DNA position 127, A replaced by G.
Protein change: p.Ser43Gly; replaces serine 43 with glycine.
Molecular consequence: missense variant.
Genome position (GRCh38, 1-based): chr6:165,662,685, T>C on the plus strand (A>G on the coding strand, the complement: PDE10A is on the minus strand). VCF-style: chr6-165662685-T-C. GRCh37 (hg19) VCF-style: chr6-166076173-T-C.
Other names: short protein forms S43G.
Identifiers: ClinVar variation 4881213 (VCV004881213.2).

ClinVar aggregate classification (germline): Uncertain significance (1 of 4 stars; one submission).

Conditions:
Striatal degeneration, autosomal dominant 2 (ADSD2). Identifiers: MedGen C4310791, MONDO:0014835, OMIM 616922.

Submission:

Dasa
Classification: Uncertain significance for Striatal degeneration, autosomal dominant 2. Last evaluated: 2025-11-04. Review status: criteria provided, single submitter. Criteria: DASA Assertion Criteria. Collection method: clinical testing. Allele origin: germline.
Comment: NM_001385079.1(PDE10A):c.127A>G (p.Ser43Gly) is a missense variant that results in the substitution of serine with glycine. This variant is rare in population databases. The currently available literature and clinical evidence are not sufficient to establish a definitive association between this variant and the reported condition. Therefore, this variant is classified as a variant of uncertain significance.